The following is an entry in ClinVar:

ClinVar aggregate classification (germline): Pathogenic/Likely pathogenic. Review status: criteria provided, multiple submitters, no conflicts (2 of 4 stars). 2 submissions from 2 submitters: Pathogenic (1); Likely pathogenic (1). Last evaluated 2021-06-03.

Conditions:
Familial thoracic aortic aneurysm and aortic dissection (TAAD). Also called: Thoracic aortic aneurysms and dissections. Identifiers: Orphanet 91387, MedGen C4707243, MONDO:0019625.
Marfan syndrome (MFS). Also called: FBN1-Related Marfan Syndrome; Marfan syndrome, classic; MARFAN SYNDROME, TYPE I; Marfan syndrome type 1; Marfan's syndrome. Identifiers: Orphanet 284963, Orphanet 558, MedGen C0024796, MONDO:0007947, OMIM 154700.

Submissions (2):

CHEO Genetics Diagnostic Laboratory, Children's Hospital of Eastern Ontario
Classification: Likely pathogenic for Familial thoracic aortic aneurysm and aortic dissection. Last evaluated: 2021-06-03. Review status: criteria provided, single submitter. Criteria: ACMG Guidelines, 2015. Collection method: clinical testing. Allele origin: germline.

Laboratory for Molecular Medicine, Mass General Brigham Personalized Medicine
Classification: Pathogenic for Marfan syndrome. Last evaluated: 2012-10-18. Review status: criteria provided, single submitter. Criteria: LMM Criteria. Collection method: clinical testing. Allele origin: germline. Observed: 1 variant allele.
Comment: The Asp1092fs variant in FBN1 has not been previously reported in the literature . This frameshift variant is predicted to alter the protein?s amino acid sequence beginning at position 1092 and lead to a prema ture termination codon 15 amino acids downstream. This alteration is then predic ted to lead to a truncated or absent protein. Heterozygous loss of function of f unction of FBN1 is an established disease mechanism of Marfan syndrome. In summa ry, this variant meets our criteria to be classified as pathogenic (.). The presence of a heterozygous pathogenic variant in FBN1 is consistent with a diagnosis of Marfan syndrome, but this information should be reconciled with the complete clinical history.

NM_000138.5(FBN1):c.3274del (p.Asp1092fs)

Gene: FBN1 (fibrillin 1; minus strand). Cytogenetic location: 15q21.1.
Variant type: Deletion.
Coding change: c.3274del on transcript NM_000138.5 (MANE Select); coding-DNA position 3274, one base deleted (G; older notation c.3274delG).
Protein change: p.Asp1092fs; shifts the reading frame from aspartic acid 1092.
Molecular consequence: frameshift variant.
Genome position (GRCh38, 1-based): chr15:48,488,176, C deleted on the plus strand (G on the coding strand, the reverse complement: FBN1 is on the minus strand); the first of 4 consecutive C bases (chr15:48,488,176-48,488,179); deleting any one gives the same sequence. VCF-style (leftmost placement, unchanged base first): chr15-48488175-TC-T. GRCh37 (hg19) VCF-style: chr15-48780372-TC-T.
Other names: c.3274delG (NM_000138.4); c.3274del (NM_000138.4); short protein forms D1092fs.
Identifiers: ClinVar variation 42329 (VCV000042329.6), dbSNP rs397515788, ClinGen allele CA013950.